The following is an entry in ClinVar:

ClinVar aggregate classification (germline): Uncertain significance. Review status: criteria provided, multiple submitters, no conflicts (2 of 4 stars). 2 submissions from 2 submitters: Uncertain significance (2). Last evaluated 2026-01-05.

Conditions:
Primary ciliary dyskinesia. Also called: Ciliary dyskinesia. Identifiers: Orphanet 244, MedGen C0008780, MONDO:0016575, HP:0012265.

Allele frequency attached by ClinVar (database versions not stated): gnomAD 0.00003; gnomAD exomes 0.00006; TOPMed 0.00006; ExAC 0.00010; ESP Exome Variant Server 0.00015.
gnomAD v4.1: 100 of 1,613,912 alleles (0.0062%); highest among the groups gnomAD compares: Non-Finnish European, 0.0075%; no homozygotes.

Submissions (2):

Labcorp Genetics (formerly Invitae), Labcorp
Classification: Uncertain significance for Primary ciliary dyskinesia. Last evaluated: 2026-01-05. Review status: criteria provided, single submitter. Criteria: Invitae Variant Classification Sherloc (09022015). Collection method: clinical testing. Allele origin: germline.
Comment: This sequence change replaces arginine, which is basic and polar, with histidine, which is basic and polar, at codon 751 of the DNAAF5 protein (p.Arg751His). This variant is present in population databases (rs145339697, gnomAD 0.02%). This variant has not been reported in the literature in individuals affected with DNAAF5-related conditions. ClinVar contains an entry for this variant (Variation ID: 945774). Invitae Evidence Modeling of protein sequence and biophysical properties (such as structural, functional, and spatial information, amino acid conservation, physicochemical variation, residue mobility, and thermodynamic stability) indicates that this missense variant is expected to disrupt DNAAF5 protein function with a positive predictive value of 80%. In summary, the available evidence is currently insufficient to determine the role of this variant in disease. Therefore, it has been classified as a Variant of Uncertain Significance.

Ambry Genetics
Classification: Uncertain significance for Primary ciliary dyskinesia. Last evaluated: 2024-10-12. Review status: criteria provided, single submitter. Criteria: Ambry Variant Classification Scheme 2023. Collection method: clinical testing. Allele origin: germline.

NM_017802.4(DNAAF5):c.2252G>A (p.Arg751His)

Gene: DNAAF5 (dynein axonemal assembly factor 5; plus strand). Cytogenetic location: 7p22.3.
Variant type: single nucleotide variant.
Coding change: c.2252G>A on transcript NM_017802.4 (MANE Select); coding-DNA position 2252, G replaced by A.
Protein change: p.Arg751His; replaces arginine 751 with histidine.
Molecular consequence: missense variant. On other transcripts: non-coding transcript variant (1).
Genome position (GRCh38, 1-based): chr7:779,965, G>A. VCF-style: chr7-779965-G-A. GRCh37 (hg19) VCF-style: chr7-819602-G-A.
Other names: short protein forms R751H.
Identifiers: ClinVar variation 945774 (VCV000945774.10), dbSNP rs145339697, ClinGen allele CA4111152.